The following is an entry in ClinVar:

NM_015629.4(PRPF31):c.132C>T (p.Ser44=)

Gene: PRPF31 (pre-mRNA processing factor 31; plus strand). Cytogenetic location: 19q13.42.
Variant type: single nucleotide variant.
Coding change: c.132C>T on transcript NM_015629.4 (MANE Select); coding-DNA position 132, C replaced by T.
Protein change: p.Ser44=; no amino-acid change (serine 44 retained).
Molecular consequence: synonymous variant.
Genome position (GRCh38, 1-based): chr19:54,118,410, C>T. VCF-style: chr19-54118410-C-T. GRCh37 (hg19) VCF-style: chr19-54621790-C-T.
Identifiers: ClinVar variation 1910149 (VCV001910149.7), dbSNP rs150968066, ClinGen allele CA309320855.

ClinVar aggregate classification (germline): Likely benign. Review status: criteria provided, multiple submitters, no conflicts (2 of 4 stars). 3 submissions from 3 submitters: Likely benign (3). Last evaluated 2026-08-01.

Allele frequency attached by ClinVar (database versions not stated): gnomAD 0.00002; ExAC 0.00003; TOPMed 0.00006; ESP Exome Variant Server 0.00008.
gnomAD v4.1: 46 of 1,613,904 alleles (0.0029%); highest among the groups gnomAD compares: Middle Eastern, 0.016%; no homozygotes.

Submissions (3):

CeGaT Center for Human Genetics Tuebingen
Classification: Likely benign. Last evaluated: 2026-08-01. Review status: criteria provided, single submitter. Criteria: CeGaT Center For Human Genetics Tuebingen Variant Classification Criteria Version 2. Collection method: clinical testing. Allele origin: germline. Affected: yes. Observed: 1 variant allele.
Comment: PRPF31: BP4, BP7

Labcorp Genetics (formerly Invitae), Labcorp
Classification: Likely benign. Last evaluated: 2025-07-08. Review status: criteria provided, single submitter. Criteria: Invitae Variant Classification Sherloc (09022015). Collection method: clinical testing. Allele origin: germline.

Blueprint Genetics
Classification: Likely benign. Last evaluated: 2021-09-27. Review status: criteria provided, single submitter. Criteria: ACMG Guidelines, 2015. Collection method: clinical testing. Allele origin: germline.